The following is an entry in ClinVar:

ClinVar aggregate classification (germline): Uncertain significance (1 of 4 stars; one submission).

Submission:

GeneDx
Classification: Uncertain significance. Last evaluated: 2024-06-17. Review status: criteria provided, single submitter. Criteria: GeneDx Variant Classification Process June 2021. Collection method: clinical testing. Allele origin: germline. Affected: yes.
Comment: Not observed at significant frequency in large population cohorts (gnomAD); In silico analysis supports that this missense variant does not alter protein structure/function; Has not been previously published as pathogenic or benign to our knowledge

NM_001135651.3(EIF2AK2):c.1570G>A (p.Glu524Lys)

Gene: EIF2AK2 (eukaryotic translation initiation factor 2 alpha kinase 2; minus strand). Cytogenetic location: 2p22.2.
Variant type: single nucleotide variant.
Coding change: c.1570G>A on transcript NM_001135651.3 (MANE Select); coding-DNA position 1570, G replaced by A.
Protein change: p.Glu524Lys; replaces glutamic acid 524 with lysine.
Molecular consequence: missense variant.
Genome position (GRCh38, 1-based): chr2:37,107,359, C>T on the plus strand (G>A on the coding strand, the complement: EIF2AK2 is on the minus strand). VCF-style: chr2-37107359-C-T. GRCh37 (hg19) VCF-style: chr2-37334502-C-T.
Other names: c.1447G>A, p.Glu483Lys (NM_001135652.3); c.1570G>A, p.Glu524Lys (NM_002759.4); short protein forms E483K, E524K.
Identifiers: ClinVar variation 3391514 (VCV003391514.1).